The following is an entry in ClinVar:

ClinVar aggregate classification (germline): Likely benign. Review status: criteria provided, multiple submitters, no conflicts (2 of 4 stars). 2 submissions from 2 submitters: Likely benign (2). Last evaluated 2023-02-01.

Conditions:
FMN2-related disorder. Also called: FMN2-related condition.

Submissions (2):

CeGaT Center for Human Genetics Tuebingen
Classification: Likely benign. Last evaluated: 2023-02-01. Review status: criteria provided, single submitter. Criteria: CeGaT Center For Human Genetics Tuebingen Variant Classification Criteria Version 2. Collection method: clinical testing. Allele origin: germline. Affected: yes. Observed: 2 variant alleles.
Comment: FMN2: BP4, BP7

PreventionGenetics, part of Exact Sciences
Classification: Likely benign for FMN2-related condition. Last evaluated: 2020-09-29. Review status: criteria provided, single submitter. Criteria: ACMG Guidelines, 2015. Collection method: clinical testing. Allele origin: germline.
Comment: This variant is classified as likely benign based on ACMG/AMP sequence variant interpretation guidelines (Richards et al. 2015 PMID: 25741868, with internal and published modifications).

NM_020066.5(FMN2):c.3072T>A (p.Pro1024=)

Gene: FMN2 (formin 2; plus strand). Cytogenetic location: 1q43.
Variant type: single nucleotide variant.
Coding change: c.3072T>A on transcript NM_020066.5 (MANE Select); coding-DNA position 3072, T replaced by A.
Protein change: p.Pro1024=; no amino-acid change (proline 1024 retained).
Molecular consequence: synonymous variant. On other transcripts: intron variant (1).
Genome position (GRCh38, 1-based): chr1:240,207,884, T>A. VCF-style: chr1-240207884-T-A. GRCh37 (hg19) VCF-style: chr1-240371184-T-A.
Other names: c.3072T>A (NM_020066.4); c.3084T>A, p.Pro1028= (NM_001305424.2); c.1986+19622T>A (NM_001348094.2).
Identifiers: ClinVar variation 2640159 (VCV002640159.25), dbSNP rs1458186988, ClinGen allele CA424385445.